The following is an entry in ClinVar:

ClinVar aggregate classification (germline): Benign/Likely benign. Review status: criteria provided, multiple submitters, no conflicts (2 of 4 stars). 4 submissions from 4 submitters: Benign (2); Likely benign (2). Last evaluated 2026-07-01.

Conditions:
Sessile serrated polyposis cancer syndrome (SSPCS). Identifiers: Orphanet 157798, MedGen C4310714, MONDO:0014919, OMIM 617108.

Allele frequency attached by ClinVar (database versions not stated): TOPMed 0.00014; ExAC 0.00023; gnomAD 0.00009 and 0.00013; 1000 Genomes Project 0.00020; gnomAD exomes 0.00024 and 0.00009; 1000 Genomes Project 30x 0.00016.
gnomAD v4.1: 154 of 1,612,498 alleles (0.0096%); highest among the groups gnomAD compares: East Asian, 0.23%; no homozygotes.

Submissions (4):

Myriad Genetics, Inc.
Classification: Benign for Sessile serrated polyposis cancer syndrome. Last evaluated: 2026-07-01. Review status: criteria provided, single submitter. Criteria: Myriad Autosomal Dominant, Autosomal Recessive and X-Linked Classification Criteria (2023). Collection method: clinical testing. Allele origin: unknown.
Comment: This variant is considered benign. This variant is a silent/synonymous amino acid change and it is not expected to impact splicing.

Labcorp Genetics (formerly Invitae), Labcorp
Classification: Benign. Last evaluated: 2026-01-07. Review status: criteria provided, single submitter. Criteria: Invitae Variant Classification Sherloc (09022015). Collection method: clinical testing. Allele origin: germline.

Ambry Genetics
Classification: Likely benign. Last evaluated: 2024-08-21. Review status: criteria provided, single submitter. Criteria: Ambry Variant Classification Scheme 2023. Collection method: clinical testing. Allele origin: germline.

Department of Pathology and Laboratory Medicine, Sinai Health System
Classification: Likely benign for Sessile serrated polyposis cancer syndrome. Last evaluated: 2022-01-20. Review status: criteria provided, single submitter. Criteria: ACMG Guidelines, 2015. Collection method: clinical testing. Allele origin: germline. Affected: yes.

NM_017763.6(RNF43):c.816T>C (p.Cys272=)

Gene: RNF43 (ring finger protein 43; minus strand). Cytogenetic location: 17q22.
Variant type: single nucleotide variant.
Coding change: c.816T>C on transcript NM_017763.6 (MANE Select); coding-DNA position 816, T replaced by C.
Protein change: p.Cys272=; no amino-acid change (cysteine 272 retained).
Molecular consequence: synonymous variant.
Genome position (GRCh38, 1-based): chr17:58,360,816, A>G on the plus strand (T>C on the coding strand, the complement: RNF43 is on the minus strand). VCF-style: chr17-58360816-A-G. GRCh37 (hg19) VCF-style: chr17-56438177-A-G.
Other names: c.816T>C, p.Cys272= (NM_001305544.3); c.435T>C, p.Cys145= (NM_001305545.2).
Identifiers: ClinVar variation 1167859 (VCV001167859.12), dbSNP rs530760134, ClinGen allele CA8673299.